The following is an entry in ClinVar:

NM_052947.4(ALPK2):c.5899A>G (p.Asn1967Asp)

Gene: ALPK2 (alpha kinase 2; minus strand). Cytogenetic location: 18q21.31.
Variant type: single nucleotide variant.
Coding change: c.5899A>G on transcript NM_052947.4 (MANE Select); coding-DNA position 5899, A replaced by G.
Protein change: p.Asn1967Asp; replaces asparagine 1967 with aspartic acid.
Molecular consequence: missense variant.
Genome position (GRCh38, 1-based): chr18:58,516,949, T>C on the plus strand (A>G on the coding strand, the complement: ALPK2 is on the minus strand). VCF-style: chr18-58516949-T-C. GRCh37 (hg19) VCF-style: chr18-56184181-T-C.
Other names: short protein forms N1967D.
Identifiers: ClinVar variation 1750346 (VCV001750346.3), dbSNP rs2051524830, ClinGen allele CA402548038.

ClinVar aggregate classification (germline): Uncertain significance (1 of 4 stars; one submission).

Allele frequency attached by ClinVar (database versions not stated): gnomAD exomes below 0.00001; gnomAD 0.00001.
gnomAD v4.1: 2 of 1,614,028 alleles (0.00012%); highest among the groups gnomAD compares: Non-Finnish European, 0.00017%; no homozygotes.

Submission:

Ambry Genetics
Classification: Uncertain significance. Last evaluated: 2024-05-26. Review status: criteria provided, single submitter. Criteria: Ambry Variant Classification Scheme 2023. Collection method: clinical testing. Allele origin: germline.
Comment: The p.N1967D variant (also known as c.5899A>G), located in coding exon 8 of the ALPK2 gene, results from an A to G substitution at nucleotide position 5899. The asparagine at codon 1967 is replaced by aspartic acid, an amino acid with highly similar properties. This amino acid position is conserved. In addition, this alteration is predicted to be tolerated by in silico analysis. Since supporting evidence is limited at this time, the clinical significance of this alteration remains unclear.